The following is an entry in ClinVar:

ClinVar aggregate classification (germline): Uncertain significance. Review status: criteria provided, multiple submitters, no conflicts (2 of 4 stars). 2 submissions from 2 submitters: Uncertain significance (2). Last evaluated 2025-11-03.

Allele frequency attached by ClinVar (database versions not stated): TOPMed 0.00003; gnomAD 0.00004.
gnomAD v4.1: 78 of 1,602,838 alleles (0.0049%); highest among the groups gnomAD compares: Middle Eastern, 0.12%; no homozygotes.

Submissions (2):

Labcorp Genetics (formerly Invitae), Labcorp
Classification: Uncertain significance. Last evaluated: 2025-11-03. Review status: criteria provided, single submitter. Criteria: Invitae Variant Classification Sherloc (09022015). Collection method: clinical testing. Allele origin: germline.
Comment: This sequence change replaces asparagine, which is neutral and polar, with threonine, which is neutral and polar, at codon 545 of the RIPK1 protein (p.Asn545Thr). This variant is present in population databases (rs756008869, gnomAD 0.004%). This variant has not been reported in the literature in individuals affected with RIPK1-related conditions. ClinVar contains an entry for this variant (Variation ID: 1496494). An algorithm developed to predict the effect of missense changes on protein structure and function (PolyPhen-2) suggests that this variant is likely to be disruptive. In summary, the available evidence is currently insufficient to determine the role of this variant in disease. Therefore, it has been classified as a Variant of Uncertain Significance.

Revvity Omics, Revvity
Classification: Uncertain significance. Last evaluated: 2021-11-23. Review status: criteria provided, single submitter. Criteria: ACMG Guidelines, 2015. Collection method: clinical testing. Allele origin: germline.

NM_001354930.2(RIPK1):c.1634A>C (p.Asn545Thr)

Gene: RIPK1 (receptor interacting serine/threonine kinase 1; plus strand). Cytogenetic location: 6p25.2.
Variant type: single nucleotide variant.
Coding change: c.1634A>C on transcript NM_001354930.2 (MANE Select); coding-DNA position 1634, A replaced by C.
Protein change: p.Asn545Thr; replaces asparagine 545 with threonine.
Molecular consequence: missense variant.
Genome position (GRCh38, 1-based): chr6:3,110,860, A>C. VCF-style: chr6-3110860-A-C. GRCh37 (hg19) VCF-style: chr6-3111094-A-C.
Other names: c.1145A>C, p.Asn382Thr (NM_001317061.3, NM_001354932.2, NM_001354933.2 and 1 more transcripts); c.1496A>C, p.Asn499Thr (NM_001354931.2); c.1634A>C, p.Asn545Thr (NM_003804.6); short protein forms N499T, N382T, N545T.
Identifiers: ClinVar variation 1496494 (VCV001496494.9), dbSNP rs756008869, ClinGen allele CA3618478.